The following is an entry in ClinVar:

NM_002693.3(POLG):c.3323A>T (p.Tyr1108Phe)

Gene: POLG (DNA polymerase gamma, catalytic subunit; minus strand). Cytogenetic location: 15q26.1.
Variant type: single nucleotide variant.
Coding change: c.3323A>T on transcript NM_002693.3 (MANE Select); coding-DNA position 3323, A replaced by T.
Protein change: p.Tyr1108Phe; replaces tyrosine 1108 with phenylalanine.
Molecular consequence: missense variant.
Genome position (GRCh38, 1-based): chr15:89,318,700, T>A on the plus strand (A>T on the coding strand, the complement: POLG is on the minus strand). VCF-style: chr15-89318700-T-A. GRCh37 (hg19) VCF-style: chr15-89861931-T-A.
Other names: p.Y1108F:TAC>TTC; c.3323A>T, p.Tyr1108Phe (NM_001126131.2); short protein forms Y1108F.
Identifiers: ClinVar variation 206475 (VCV000206475.18), dbSNP rs765949668, ClinGen allele CA316604.

ClinVar aggregate classification (germline): Uncertain significance. Review status: criteria provided, multiple submitters, no conflicts (2 of 4 stars). 6 submissions from 6 submitters: Uncertain significance (6). Last evaluated 2025-02-04.

Conditions:
Inborn genetic diseases. Identifiers: MedGen C0950123, MeSH D030342.
Progressive external ophthalmoplegia with mitochondrial DNA deletions, autosomal dominant 1 (PEOA1). Also called: PROGRESSIVE EXTERNAL OPHTHALMOPLEGIA, AUTOSOMAL DOMINANT 1; Autosomal Dominant Progressive External Ophthalmoplegia (adPEO). Identifiers: MedGen C1834846, MONDO:0024528, OMIM 157640.
Progressive external ophthalmoplegia with mitochondrial DNA deletions, autosomal recessive 1 (PEOB1). Also called: Autosomal Recessive Progressive External Ophthalmoplegia (arPEO); Progressive external ophthalmoplegia, autosomal recessive 1. Identifiers: Orphanet 254886, MedGen C4225153, MONDO:0009783, OMIM 258450.
Progressive sclerosing poliodystrophy (MTDPS4A). Also called: ALPERS DIFFUSE DEGENERATION OF CEREBRAL GRAY MATTER WITH HEPATIC CIRRHOSIS; Alpers-Huttenlocher Syndrome; ALPERS PROGRESSIVE INFANTILE POLIODYSTROPHY; NEURONAL DEGENERATION OF CHILDHOOD WITH LIVER DISEASE, PROGRESSIVE; Mitochondrial DNA Depletion Syndrome 4A; Alpers-Huttenlocher Syndrome (AHS). Identifiers: Orphanet 726, MedGen C0205710, MONDO:0008758, OMIM 203700.
Sensory ataxic neuropathy, dysarthria, and ophthalmoparesis (SANDO). Also called: SENSORY ATAXIC NEUROPATHY WITH MITOCHONDRIAL DNA DELETIONS, AUTOSOMAL RECESSIVE; Epilepsy, progressive myoclonic, type 5; Sensory ataxic neuropathy-dysarthria-ophthalmoparesis syndrome; Ataxia Neuropathy Spectrum (ANS). Identifiers: Orphanet 70595, MedGen C1843851, MONDO:0011835, OMIM 607459.
Mitochondrial DNA depletion syndrome 4b. Also called: MNGIE, POLG-RELATED; Mitochondrial Neurogastrointestinal Encephalopathy Disease, POLG-Related. Identifiers: Orphanet 298, MedGen C3150914, MONDO:0013350, OMIM 613662.

Allele frequency attached by ClinVar (database versions not stated): gnomAD 0.00001; TOPMed 0.00006; ExAC 0.00007; gnomAD exomes 0.00007.
gnomAD v4.1: 22 of 1,614,022 alleles (0.0014%); highest among the groups gnomAD compares: Admixed American, 0.037%; no homozygotes.

Submissions (6):

Labcorp Genetics (formerly Invitae), Labcorp
Classification: Uncertain significance for Progressive sclerosing poliodystrophy. Last evaluated: 2025-02-04. Review status: criteria provided, single submitter. Criteria: Invitae Variant Classification Sherloc (09022015). Collection method: clinical testing. Allele origin: germline.
Comment: This sequence change replaces tyrosine, which is neutral and polar, with phenylalanine, which is neutral and non-polar, at codon 1108 of the POLG protein (p.Tyr1108Phe). This variant is present in population databases (rs765949668, gnomAD 0.05%). This variant has not been reported in the literature in individuals affected with POLG-related conditions. ClinVar contains an entry for this variant (Variation ID: 206475). Invitae Evidence Modeling of protein sequence and biophysical properties (such as structural, functional, and spatial information, amino acid conservation, physicochemical variation, residue mobility, and thermodynamic stability) has been performed for this missense variant. However, the output from this modeling did not meet the statistical confidence thresholds required to predict the impact of this variant on POLG protein function. In summary, the available evidence is currently insufficient to determine the role of this variant in disease. Therefore, it has been classified as a Variant of Uncertain Significance.

GeneDx
Classification: Uncertain significance. Last evaluated: 2024-08-20. Review status: criteria provided, single submitter. Criteria: GeneDx Variant Classification Process June 2021. Collection method: clinical testing. Allele origin: germline. Affected: yes.
Comment: Has not been previously published as pathogenic or benign to our knowledge; In silico analysis supports that this missense variant does not alter protein structure/function

Women's Health and Genetics/Laboratory Corporation of America, LabCorp
Classification: Uncertain significance. Last evaluated: 2024-02-20. Review status: criteria provided, single submitter. Criteria: LabCorp Variant Classification Summary - May 2015. Collection method: clinical testing. Allele origin: germline.
Comment: Variant summary: POLG c.3323A>T (p.Tyr1108Phe) results in a conservative amino acid change located in the DNA-directed DNA polymerase, family A, palm domain (IPR001098) of the encoded protein sequence. Three of five in-silico tools predict a damaging effect of the variant on protein function. The variant allele was found at a frequency of 6.8e-05 in 251450 control chromosomes (gnomAD). To our knowledge, no occurrence of c.3323A>T in individuals affected with POLG-Related Spectrum Disorders and no experimental evidence demonstrating its impact on protein function have been reported. ClinVar contains an entry for this variant (Variation ID: 206475). Based on the evidence outlined above, the variant was classified as uncertain significance.

Athena Diagnostics
Classification: Uncertain significance. Last evaluated: 2021-07-02. Review status: criteria provided, single submitter. Criteria: Athena Diagnostics Criteria. Collection method: clinical testing. Allele origin: unknown.

Ambry Genetics
Classification: Uncertain significance for Inborn genetic diseases. Last evaluated: 2017-12-15. Review status: criteria provided, single submitter. Criteria: Ambry Variant Classification Scheme 2023. Collection method: clinical testing. Allele origin: germline.
Comment: The p.Y1108F variant (also known as c.3323A>T), located in coding exon 20 of the POLG gene, results from an A to T substitution at nucleotide position 3323. The tyrosine at codon 1108 is replaced by phenylalanine, an amino acid with highly similar properties. This amino acid position is highly conserved in available vertebrate species. In addition, this alteration is predicted to be deleterious by in silico analysis. Since supporting evidence is limited at this time, the clinical significance of this alteration remains unclear.

Center for Genomics, Ann and Robert H. Lurie Children's Hospital of Chicago
Classification: Uncertain significance for Sensory ataxic neuropathy, dysarthria, and ophthalmoparesis; Mitochondrial DNA depletion syndrome 4b; Progressive sclerosing poliodystrophy; Progressive external ophthalmoplegia with mitochondrial DNA deletions, autosomal dominant 1; Progressive external ophthalmoplegia with mitochondrial DNA deletions, autosomal recessive 1. Review status: criteria provided, single submitter. Criteria: ACMG Guidelines, 2015. Collection method: clinical testing. Allele origin: germline.
Comment: POLG NM_002693 exon 21 p.Tyr1108Phe (c.3323A>T): This variant has not been reported in the literature but is present in 16/33582 Latino alleles in the Genome Aggregation Database. This variant is present in ClinVar (Variation ID:206475). Evolutionary conservation and computational predictive tools suggest that this variant may impact the protein. In summary, data on this variant is insufficient for disease classification. Therefore, the clinical significance of this variant is uncertain.